The following is an entry in ClinVar:

NM_016169.4(SUFU):c.911-1G>T

Gene: SUFU (SUFU negative regulator of hedgehog signaling; plus strand). Cytogenetic location: 10q24.32.
Variant type: single nucleotide variant.
Coding change: c.911-1G>T on transcript NM_016169.4 (MANE Select); the canonical splice acceptor site of the intron before coding-DNA position 911, G replaced by T.
Molecular consequence: splice acceptor variant.
Genome position (GRCh38, 1-based): chr10:102,599,432, G>T. VCF-style: chr10-102599432-G-T. GRCh37 (hg19) VCF-style: chr10-104359189-G-T.
Other names: c.911-1G>T (NM_001178133.2).
Identifiers: ClinVar variation 2943914 (VCV002943914.3), dbSNP rs2545100262, ClinGen allele CA377910985.

ClinVar aggregate classification (germline): Likely pathogenic (1 of 4 stars; one submission).

Conditions:
Gorlin syndrome. Also called: Nevoid Basal Cell Carcinoma Syndrome; Basal cell nevus syndrome. Identifiers: Orphanet 377, MedGen C0004779, MONDO:0007187.
Medulloblastoma (MDB). Also called: MEDULLOBLASTOMA PREDISPOSITION SYNDROME; Medulloblastoma, somatic. Identifiers: Orphanet 616, MedGen C0025149, MeSH D008527, MONDO:0007959, OMIM 155255, HP:0002885.

Submission:

Labcorp Genetics (formerly Invitae), Labcorp
Classification: Likely pathogenic for Gorlin syndrome; Medulloblastoma. Last evaluated: 2023-02-27. Review status: criteria provided, single submitter. Criteria: Invitae Variant Classification Sherloc (09022015). Collection method: clinical testing. Allele origin: germline.
Comment: This sequence change affects an acceptor splice site in intron 7 of the SUFU gene. It is expected to disrupt RNA splicing. Variants that disrupt the donor or acceptor splice site typically lead to a loss of protein function (PMID: 16199547), and loss-of-function variants in SUFU are known to be pathogenic (PMID: 22508808, 25403219, 33024317). This variant is not present in population databases (gnomAD no frequency). In summary, the currently available evidence indicates that the variant is pathogenic, but additional data are needed to prove that conclusively. Therefore, this variant has been classified as Likely Pathogenic. Algorithms developed to predict the effect of sequence changes on RNA splicing suggest that this variant may disrupt the consensus splice site. This variant has not been reported in the literature in individuals affected with SUFU-related conditions.

Literature cited by the submitters: PubMed 16199547; PubMed 22508808; PubMed 25403219; PubMed 33024317.